The following is an entry in ClinVar:

ClinVar aggregate classification (germline): Uncertain significance. Review status: criteria provided, multiple submitters, no conflicts (2 of 4 stars). 2 submissions from 2 submitters: Uncertain significance (2). Last evaluated 2025-05-15.

Conditions:
Hereditary pheochromocytoma and paraganglioma. Also called: Hereditary paragangliomas and pheochromocytomas; Hereditary Paraganglioma-Pheochromocytoma Syndromes; Hereditary pheochromocytoma-paraganglioma. Identifiers: Orphanet 29072, MedGen C4274332, MONDO:0017366.
Hereditary cancer-predisposing syndrome. Also called: Tumor predisposition; Hereditary Cancer Syndrome; Neoplastic Syndromes, Hereditary; Hereditary neoplastic syndrome. Identifiers: Orphanet 140162, MedGen C0027672, MeSH D009386, MONDO:0015356.

Submissions (2):

Ambry Genetics
Classification: Uncertain significance for Hereditary cancer-predisposing syndrome. Last evaluated: 2025-05-15. Review status: criteria provided, single submitter. Criteria: Ambry Variant Classification Scheme 2023. Collection method: clinical testing. Allele origin: germline.
Comment: The p.A190P variant (also known as c.568G>C), located in coding exon 3 of the TMEM127 gene, results from a G to C substitution at nucleotide position 568. The alanine at codon 190 is replaced by proline, an amino acid with highly similar properties. This amino acid position is conserved. In addition, this alteration is predicted to be deleterious by in silico analysis. Based on the available evidence, the clinical significance of this variant remains unclear.

Labcorp Genetics (formerly Invitae), Labcorp
Classification: Uncertain significance for Hereditary pheochromocytoma and paraganglioma. Last evaluated: 2024-02-18. Review status: criteria provided, single submitter. Criteria: Invitae Variant Classification Sherloc (09022015). Collection method: clinical testing. Allele origin: germline.
Comment: This sequence change replaces alanine, which is neutral and non-polar, with proline, which is neutral and non-polar, at codon 190 of the TMEM127 protein (p.Ala190Pro). This variant is present in population databases (rs373781978, gnomAD 0.0009%). This variant has not been reported in the literature in individuals affected with TMEM127-related conditions. An algorithm developed to predict the effect of missense changes on protein structure and function (PolyPhen-2) suggests that this variant is likely to be disruptive. In summary, the available evidence is currently insufficient to determine the role of this variant in disease. Therefore, it has been classified as a Variant of Uncertain Significance.

NM_017849.4(TMEM127):c.568G>C (p.Ala190Pro)

Gene: TMEM127 (transmembrane protein 127; minus strand). Cytogenetic location: 2q11.2.
Variant type: single nucleotide variant.
Coding change: c.568G>C on transcript NM_017849.4 (MANE Select); coding-DNA position 568, G replaced by C.
Protein change: p.Ala190Pro; replaces alanine 190 with proline.
Molecular consequence: missense variant.
Genome position (GRCh38, 1-based): chr2:96,253,957, C>G on the plus strand (G>C on the coding strand, the complement: TMEM127 is on the minus strand). VCF-style: chr2-96253957-C-G. GRCh37 (hg19) VCF-style: chr2-96919695-C-G.
Other names: c.568G>C, p.Ala190Pro (NM_001193304.3); c.316G>C, p.Ala106Pro (NM_001407282.1, NM_001407283.1); short protein forms A106P, A190P.
Identifiers: ClinVar variation 3700326 (VCV003700326.3).